The following is an entry in ClinVar:

ClinVar aggregate classification (germline): Uncertain significance (1 of 4 stars; one submission).

Conditions:
Long QT syndrome (LQTS). Identifiers: MedGen C0023976, MeSH D008133, MONDO:0002442. Disease mechanism: loss of function. Inheritance: Various modes of inheritance.

Submission:

Labcorp Genetics (formerly Invitae), Labcorp
Classification: Uncertain significance for Long QT syndrome. Last evaluated: 2022-10-09. Review status: criteria provided, single submitter. Criteria: Invitae Variant Classification Sherloc (09022015). Collection method: clinical testing. Allele origin: germline.
Comment: In summary, the available evidence is currently insufficient to determine the role of this variant in disease. Therefore, it has been classified as a Variant of Uncertain Significance. Algorithms developed to predict the effect of sequence changes on RNA splicing suggest that this variant may disrupt the consensus splice site. Experimental studies and prediction algorithms are not available or were not evaluated, and the functional significance of this variant is currently unknown. This variant has not been reported in the literature in individuals affected with CACNA1C-related conditions. This variant is not present in population databases (gnomAD no frequency). This variant, c.2305_2322del, results in the deletion of 6 amino acid(s) of the CACNA1C protein (p.Glu769_Glu774del), but otherwise preserves the integrity of the reading frame.

NM_000719.7(CACNA1C):c.2305_2322del (p.Glu769_Glu774del)

Gene: CACNA1C (calcium voltage-gated channel subunit alpha1 C; plus strand). Cytogenetic location: 12p13.33.
Variant type: Deletion.
Coding change: c.2305_2322del on transcript NM_000719.7 (MANE Select); coding-DNA positions 2305 to 2322, 18 bases deleted (GAGGAAGAGGAGAAGGAG).
Protein change: p.Glu769_Glu774del.
Molecular consequence: inframe deletion.
Genome position (GRCh38, 1-based): chr12:2,584,583-2,584,600, GAGGAAGAGGAGAAGGAG deleted; deleting any 18 consecutive bases within chr12:2,584,577-2,584,600 gives the same sequence; the c. name uses the placement nearest the transcript's 3' end. VCF-style (leftmost placement, unchanged base first): chr12-2584576-AAAGGAGGAGGAAGAGGAG-A. GRCh37 (hg19) VCF-style: chr12-2693742-AAAGGAGGAGGAAGAGGAG-A.
Other names: c.2305_2322del, p.Glu769_Glu774del (NM_001129827.2, NM_001129829.2, NM_001129830.3 and 18 more transcripts); c.2296_2313del, p.Glu766_Glu771del (NM_001129844.2).
Identifiers: ClinVar variation 2028139 (VCV002028139.4), dbSNP rs2515285446, ClinGen allele CA2580085175.
Genomic context (GRCh38, chr12:2,584,576, plus strand): 5'-TGTGTTCTTGGCCATTGCTGTGGACAACCTGGCTGATGCTGAGAGCCTCACATCTGCCCA[AAAGGAGGAGGAAGAGGAG>A]AAGGAGAGAAAGAAGCTGGCCAGGTAACCCTCTAAGCTTGCCCAGGCCTGGGGCTCCAGG-3'